The following is an entry in ClinVar:

ClinVar aggregate classification (germline): Likely pathogenic. Review status: criteria provided, multiple submitters, no conflicts (2 of 4 stars). 3 submissions from 3 submitters: Likely pathogenic (3). Last evaluated 2025-10-13.

Conditions:
Dilated cardiomyopathy 1G (CMD1G). Identifiers: Orphanet 154, MedGen C1858763, MONDO:0011400, OMIM 604145.
Autosomal recessive limb-girdle muscular dystrophy type 2J (LGMDR10). Also called: Limb-girdle muscular dystrophy, type 2J; MUSCULAR DYSTROPHY, LIMB-GIRDLE, AUTOSOMAL RECESSIVE 10. Identifiers: Orphanet 140922, MedGen C1837342, MONDO:0012127, OMIM 608807.
Cardiovascular phenotype. Identifiers: MedGen CN230736.

Submissions (3):

Labcorp Genetics (formerly Invitae), Labcorp
Classification: Likely pathogenic for Dilated cardiomyopathy 1G; Autosomal recessive limb-girdle muscular dystrophy type 2J. Last evaluated: 2025-10-13. Review status: criteria provided, single submitter. Criteria: Invitae Variant Classification Sherloc (09022015). Collection method: clinical testing. Allele origin: germline.
Comment: This sequence change creates a premature translational stop signal (p.Ile20494Hisfs*10) in the TTN gene. While this is not anticipated to result in nonsense mediated decay, it is expected to create a truncated TTN protein. This variant is not present in population databases (gnomAD no frequency). This variant has not been reported in the literature in individuals affected with TTN-related conditions. ClinVar contains an entry for this variant (Variation ID: 430461). This variant is located in the A band of TTN (PMID: 25589632). Truncating variants in this region are significantly overrepresented in patients affected with dilated cardiomyopathy (PMID: 25589632). Truncating variants in this region have also been reported in individuals affected with autosomal recessive centronuclear myopathy (PMID: 23975875). In summary, the currently available evidence indicates that the variant is pathogenic, but additional data are needed to prove that conclusively. Therefore, this variant has been classified as Likely Pathogenic.

Ambry Genetics
Classification: Likely pathogenic for Cardiovascular phenotype. Last evaluated: 2024-12-18. Review status: criteria provided, single submitter. Criteria: Ambry Variant Classification Scheme 2023. Collection method: clinical testing. Allele origin: germline.
Comment: The c.34284_34288delTATCC variant, located in coding exon 131 of the TTN gene, results from a deletion of 5 nucleotides at nucleotide positions 34284 to 34288, causing a translational frameshift with a predicted alternate stop codon (p.I11429Hfs*10). This exon is located in the A-band region of the N2-B isoform of the titin protein and is constitutively expressed in TTN transcripts (percent spliced in or PSI 100%). This variant is considered to be rare based on population cohorts in the Genome Aggregation Database (gnomAD). This alteration is expected to result in loss of function by premature protein truncation or nonsense-mediated mRNA decay. While truncating variants in TTN are present in 1-3% of the general population, truncating variants in the A-band are the most common cause of dilated cardiomyopathy (DCM) (Herman DS et al. N. Engl. J. Med., 2012 Feb;366:619-28; Roberts AM et al. Sci Transl Med, 2015 Jan;7:270ra6). TTN truncating variants encoded in constitutive exons (PSI >90%) have been found to be significantly associated with DCM regardless of their position in titin (Schafer S et al. Nat. Genet., 2017 01;49:46-53). Based on the majority of available evidence to date, this variant is likely to be pathogenic.

GeneDx
Classification: Likely pathogenic. Last evaluated: 2023-11-20. Review status: criteria provided, single submitter. Criteria: GeneDx Variant Classification Process June 2021. Collection method: clinical testing. Allele origin: germline. Affected: yes.
Comment: Frameshift variant predicted to result in protein truncation or nonsense mediated decay in a gene for which loss of function is a known mechanism of disease; Located in the A-band region of TTN in which the majority of loss of function variants have been associated with autosomal dominant titinopathies (PMID: 22335739); Not observed at significant frequency in large population cohorts (gnomAD); Has not been previously published as pathogenic or benign to our knowledge; This variant is associated with the following publications: (PMID: 22335739)

Literature cited by the submitters: PubMed 25589632 (cited by Labcorp Genetics (formerly Invitae), Labcorp); PubMed 23975875 (cited by Labcorp Genetics (formerly Invitae), Labcorp).

NM_001267550.2(TTN):c.61479_61483del (p.Ile20494fs)

Genes: TTN (titin; minus strand), TTN-AS1 (TTN antisense RNA 1; plus strand). Cytogenetic location: 2q31.2.
Variant type: Deletion.
Coding change: c.61479_61483del on transcript NM_001267550.2 (MANE Select); coding-DNA positions 61479 to 61483, 5 bases deleted (TATCC; older notation c.61479_61483delTATCC).
Protein change: p.Ile20494fs; shifts the reading frame from isoleucine 20494.
Molecular consequence: frameshift variant.
Genome position (GRCh38, 1-based): chr2:178,590,242-178,590,246, GGATA deleted on the plus strand (TATCC on the coding strand, the reverse complement: TTN is on the minus strand); deleting any 5 consecutive bases within chr2:178,590,242-178,590,247 gives the same sequence; the c. name uses the placement nearest the transcript's 3' end. VCF-style (leftmost placement, unchanged base first): chr2-178590241-CGGATA-C. GRCh37 (hg19) VCF-style: chr2-179454968-CGGATA-C.
Other names: c.56556_56560del, p.Ile18853fs (NM_001256850.1); c.34284_34288del, p.Ile11429fs (NM_003319.4); c.53775_53779del, p.Ile17926fs (NM_133378.4); c.34659_34663del, p.Ile11554fs (NM_133432.3); c.34860_34864del, p.Ile11621fs (NM_133437.4); c.56556_56560delTATCC (NM_001256850.1); c.61479_61483del (NM_001267550.1); c.34284_34288delTATCC (NM_003319.4); short protein forms I11554fs, I11429fs, I17926fs, I18853fs, I11621fs, I20494fs.
Identifiers: ClinVar variation 430461 (VCV000430461.6), dbSNP rs1131691981, ClinGen allele CA645369276.